The following is an entry in ClinVar:

ClinVar aggregate classification (germline): Uncertain significance. Review status: criteria provided, multiple submitters, no conflicts (2 of 4 stars). 2 submissions from 2 submitters: Uncertain significance (2). Last evaluated 2025-03-18.

Conditions:
Nail-patella syndrome (NPS). Also called: FONG DISEASE; ONYCHOOSTEODYSPLASIA; TURNER-KIESER SYNDROME. Identifiers: Orphanet 2614, MedGen C0027341, MONDO:0008061, OMIM 161200.

Allele frequency attached by ClinVar (database versions not stated): gnomAD exomes below 0.00001; TOPMed below 0.00001; ExAC 0.00001.
gnomAD v4.1: 3 of 1,610,866 alleles (0.00019%); highest among the groups gnomAD compares: Non-Finnish European, 0.00025%; no homozygotes.

Submissions (2):

Labcorp Genetics (formerly Invitae), Labcorp
Classification: Uncertain significance. Last evaluated: 2025-03-18. Review status: criteria provided, single submitter. Criteria: Invitae Variant Classification Sherloc (09022015). Collection method: clinical testing. Allele origin: germline.
Comment: This sequence change replaces proline, which is neutral and non-polar, with leucine, which is neutral and non-polar, at codon 216 of the LMX1B protein (p.Pro216Leu). This variant is not present in population databases (gnomAD no frequency). This variant has not been reported in the literature in individuals affected with LMX1B-related conditions. ClinVar contains an entry for this variant (Variation ID: 364882). Invitae Evidence Modeling of protein sequence and biophysical properties (such as structural, functional, and spatial information, amino acid conservation, physicochemical variation, residue mobility, and thermodynamic stability) indicates that this missense variant is not expected to disrupt LMX1B protein function with a negative predictive value of 80%. In summary, the available evidence is currently insufficient to determine the role of this variant in disease. Therefore, it has been classified as a Variant of Uncertain Significance.

Illumina Laboratory Services, Illumina
Classification: Uncertain significance for Nail-patella syndrome. Last evaluated: 2018-01-13. Review status: criteria provided, single submitter. Criteria: ICSL Variant Classification Criteria 13 December 2019. Collection method: clinical testing. Allele origin: germline.

NM_001174147.2(LMX1B):c.647C>T (p.Pro216Leu)

Gene: LMX1B (LIM homeobox transcription factor 1 beta; plus strand). Cytogenetic location: 9q33.3.
Variant type: single nucleotide variant.
Coding change: c.647C>T on transcript NM_001174147.2 (MANE Select); coding-DNA position 647, C replaced by T.
Protein change: p.Pro216Leu; replaces proline 216 with leucine.
Molecular consequence: missense variant.
Genome position (GRCh38, 1-based): chr9:126,693,229, C>T. VCF-style: chr9-126693229-C-T. GRCh37 (hg19) VCF-style: chr9-129455508-C-T.
Other names: c.647C>T, p.Pro216Leu (NM_001174146.2, NM_002316.4); short protein forms P216L.
Identifiers: ClinVar variation 364882 (VCV000364882.9), dbSNP rs779417752, ClinGen allele CA5242377.
Genomic context (GRCh38, chr9:126,693,229, plus strand): 5'-TGAAGCCGGCCAAGGGGCAGGGCAGTCAGAGCAAGGGCAGCGGGGATGACGGGAAGGACC[C>T]GCGGAGGCCCAAGCGACCCCGGACCATCCTCACCACGCAGCAGCGAAGAGCCTTCAAGGC-3'
Protein context (NP_001167618.1, residues 206-226): SKGSGDDGKD[Pro216Leu]RRPKRPRTIL